The following is an entry in ClinVar:

NM_005732.4(RAD50):c.3846del (p.Glu1281_Tyr1282insTer)

Genes: RAD50 (RAD50 double strand break repair protein; plus strand), TH2LCRR (T helper type 2 locus control region associated RNA; minus strand). Cytogenetic location: 5q31.1.
Variant type: Deletion.
Coding change: c.3846del on transcript NM_005732.4 (MANE Select); coding-DNA position 3846, one base deleted (T; older notation c.3846delT).
Protein change: p.Glu1281_Tyr1282insTer.
Molecular consequence: nonsense. On other transcripts: non-coding transcript variant (1).
Genome position (GRCh38, 1-based): chr5:132,642,271, T deleted. VCF-style (leftmost placement, unchanged base first): chr5-132642270-AT-A. GRCh37 (hg19) VCF-style: chr5-131977962-AT-A.
Identifiers: ClinVar variation 2079586 (VCV002079586.4), dbSNP rs1751742585, ClinGen allele CA1583254626.

ClinVar aggregate classification (germline): Uncertain significance (1 of 4 stars; one submission).

Conditions:
Hereditary cancer-predisposing syndrome. Also called: Hereditary Cancer Syndrome; Tumor predisposition; Hereditary neoplastic syndrome; Neoplastic Syndromes, Hereditary. Identifiers: Orphanet 140162, MedGen C0027672, MeSH D009386, MONDO:0015356.

Allele frequency attached by ClinVar (database versions not stated): TOPMed below 0.00001.

Submission:

Labcorp Genetics (formerly Invitae), Labcorp
Classification: Uncertain significance for Hereditary cancer-predisposing syndrome. Last evaluated: 2024-02-17. Review status: criteria provided, single submitter. Criteria: Invitae Variant Classification Sherloc (09022015). Collection method: clinical testing. Allele origin: germline.
Comment: This sequence change creates a premature translational stop signal (p.Tyr1282*) in the RAD50 gene. While this is not anticipated to result in nonsense mediated decay, it is expected to disrupt the last 31 amino acid(s) of the RAD50 protein. This variant is not present in population databases (gnomAD no frequency). This variant has not been reported in the literature in individuals affected with RAD50-related conditions. ClinVar contains an entry for this variant (Variation ID: 2079586). Experimental studies and prediction algorithms are not available or were not evaluated, and the functional significance of this variant is currently unknown. Algorithms developed to predict the effect of sequence changes on RNA splicing suggest that this variant may disrupt the consensus splice site. In summary, the available evidence is currently insufficient to determine the role of this variant in disease. Therefore, it has been classified as a Variant of Uncertain Significance.